The following is an entry in ClinVar:

NM_000417.3(IL2RA):c.454T>C (p.Cys152Arg)

Gene: IL2RA (interleukin 2 receptor subunit alpha; minus strand). Cytogenetic location: 10p15.1.
Variant type: single nucleotide variant.
Coding change: c.454T>C on transcript NM_000417.3 (MANE Select); coding-DNA position 454, T replaced by C.
Protein change: p.Cys152Arg; replaces cysteine 152 with arginine.
Molecular consequence: missense variant. On other transcripts: intron variant (2).
Genome position (GRCh38, 1-based): chr10:6,021,607, A>G on the plus strand (T>C on the coding strand, the complement: IL2RA is on the minus strand). VCF-style: chr10-6021607-A-G. GRCh37 (hg19) VCF-style: chr10-6063570-A-G.
Other names: c.454T>C (NM_000417.2); c.368-2108T>C (NM_001308243.2); c.368-1666T>C (NM_001308242.2); short protein forms C152R.
Identifiers: ClinVar variation 1005899 (VCV001005899.11), dbSNP rs996425446, ClinGen allele CA202294046.

ClinVar aggregate classification (germline): Uncertain significance. Review status: criteria provided, multiple submitters, no conflicts (2 of 4 stars). 2 submissions from 2 submitters: Uncertain significance (2). Last evaluated 2025-06-07.

Conditions:
Immunodeficiency due to CD25 deficiency. Also called: IMMUNODEFICIENCY 41 WITH LYMPHOPROLIFERATION AND AUTOIMMUNITY; IL2RA DEFICIENCY; CD25 DEFICIENCY. Identifiers: Orphanet 169100, MedGen C1853392, MONDO:0011664, OMIM 606367.

Allele frequency attached by ClinVar (database versions not stated): gnomAD 0.00001; TOPMed 0.00001.
gnomAD v4.1: 2 of 1,614,008 alleles (0.00012%); highest among the groups gnomAD compares: Non-Finnish European, 0.00017%; no homozygotes.

Submissions (2):

Ambry Genetics
Classification: Uncertain significance. Last evaluated: 2025-06-07. Review status: criteria provided, single submitter. Criteria: Ambry Variant Classification Scheme 2023. Collection method: clinical testing. Allele origin: germline.

Labcorp Genetics (formerly Invitae), Labcorp
Classification: Uncertain significance for Immunodeficiency due to CD25 deficiency. Last evaluated: 2022-07-26. Review status: criteria provided, single submitter. Criteria: Invitae Variant Classification Sherloc (09022015). Collection method: clinical testing. Allele origin: germline.
Comment: This sequence change replaces cysteine, which is neutral and slightly polar, with arginine, which is basic and polar, at codon 152 of the IL2RA protein (p.Cys152Arg). This variant is not present in population databases (gnomAD no frequency). This variant has not been reported in the literature in individuals affected with IL2RA-related conditions. ClinVar contains an entry for this variant (Variation ID: 1005899). Algorithms developed to predict the effect of missense changes on protein structure and function (SIFT, PolyPhen-2, Align-GVGD) all suggest that this variant is likely to be disruptive. In summary, the available evidence is currently insufficient to determine the role of this variant in disease. Therefore, it has been classified as a Variant of Uncertain Significance.